The following is an entry in ClinVar:

ClinVar aggregate classification (germline): Uncertain significance (0 of 4 stars; one submission).

Submission:

Department of Pathology and Laboratory Medicine, Sinai Health System
Classification: Uncertain significance. Review status: no assertion criteria provided. Collection method: clinical testing. Allele origin: unknown. Affected: yes. Study: The Canadian Open Genetics Repository (COGR).
Comment: The MN1 p.Gln543_Gln550del variant was not identified in the literature nor was it identified in ClinVar, Cosmic, LOVD 3.0. The variant was identified in dbSNP (ID: rs755868492) but was not identified in the following control databases: the 1000 Genomes Project, the NHLBI GO Exome Sequencing Project, the Exome Aggregation Consortium (August 8th 2016), or the Genome Aggregation Database (Feb 27, 2017). This variant is an in-frame deletion resulting in the removal of a glutamine (Gln) residue at codons 543 to 550; the impact of this alteration on MN1 protein function is not known. In summary, based on the above information the clinical significance of this variant cannot be determined with certainty at this time. This variant is classified as a variant of uncertain significance.

NM_002430.3(MN1):c.1596_1619del (p.Gln543_Gln550del)

Gene: MN1 (MN1 proto-oncogene, transcriptional regulator; minus strand). Cytogenetic location: 22q12.1.
Variant type: Deletion.
Coding change: c.1596_1619del on transcript NM_002430.3 (MANE Select); coding-DNA positions 1596 to 1619, 24 bases deleted (GCAACAGCAGCAGCAGCAGCAGCA).
Protein change: p.Gln543_Gln550del.
Molecular consequence: inframe deletion.
Genome position (GRCh38, 1-based): chr22:27,798,925-27,798,948, TGCTGCTGCTGCTGCTGCTGTTGC deleted on the plus strand (GCAACAGCAGCAGCAGCAGCAGCA on the coding strand, the reverse complement: MN1 is on the minus strand); deleting any 24 consecutive bases within chr22:27,798,925-27,798,968 gives the same sequence; the c. name uses the placement nearest the transcript's 3' end. VCF-style (leftmost placement, unchanged base first): chr22-27798924-TTGCTGCTGCTGCTGCTGCTGTTGC-T. GRCh37 (hg19) VCF-style: chr22-28194912-TTGCTGCTGCTGCTGCTGCTGTTGC-T.
Identifiers: ClinVar variation 1049615 (VCV001049615.1), dbSNP rs755868492, ClinGen allele CA10166369.
Genomic context (GRCh38, chr22:27,798,924, plus strand): 5'-CTGCTTAATCATGAGGGCCGCGTTTTGGCGCTGCTGCTGCTGCTGCTGTTGCTGTTGCTG[TTGCTGCTGCTGCTGCTGCTGTTGC>T]TGCTGCTGCTGCTGCTGCTGCTGCTGTTGCAGGGACTGGTGGTCCGGGGCCGGATGCTGC-3'